The following is an entry in ClinVar:

NM_005068.3(SIM1):c.1362G>A (p.Ser454=)

Genes: SIM1 (SIM bHLH transcription factor 1; minus strand), SIM1-AS1 (SIM1 antisense RNA 1; plus strand). Cytogenetic location: 6q16.3.
Variant type: single nucleotide variant.
Coding change: c.1362G>A on transcript NM_005068.3 (MANE Select); coding-DNA position 1362, G replaced by A.
Protein change: p.Ser454=; no amino-acid change (serine 454 retained).
Molecular consequence: synonymous variant. On other transcripts: non-coding transcript variant (1).
Genome position (GRCh38, 1-based): chr6:100,393,695, C>T on the plus strand (G>A on the coding strand, the complement: SIM1 is on the minus strand). VCF-style: chr6-100393695-C-T. GRCh37 (hg19) VCF-style: chr6-100841571-C-T.
Other names: c.1362G>A, p.Ser454= (NM_001374769.1).
Identifiers: ClinVar variation 3348573 (VCV003348573.1).
Genomic context (GRCh38, chr6:100,393,695, plus strand): 5'-TGCCTCACATCGGCCTCCTTCACAGGCCTGGGTATGGAAATGCCTCTCTTCCACCAGCCT[C>T]GAGTGGTCAAGCGCAAAGCCATAGCAGAGAGAGCTGCGGTCCGAAAACTGTCTGTAGGCG-3'
Protein context (NP_005059.2, residues 444-464): SLCYGFALDH[Ser454=]RLVEERHFHT

ClinVar aggregate classification (germline): Likely benign (0 of 4 stars; one submission).

Conditions:
SIM1-related disorder. Also called: SIM1-related condition; SIM1-related disorders.

gnomAD v4.1: 5 of 1,613,962 alleles (0.00031%); highest among the groups gnomAD compares: African/African-American, 0.0013%; no homozygotes.

Submission:

PreventionGenetics, part of Exact Sciences
Classification: Likely benign for SIM1-related condition. Last evaluated: 2023-10-04. Review status: no assertion criteria provided. Collection method: clinical testing. Allele origin: germline.
Comment: This variant is classified as likely benign based on ACMG/AMP sequence variant interpretation guidelines (Richards et al. 2015 PMID: 25741868, with internal and published modifications).